The following is an entry in ClinVar:

ClinVar aggregate classification (germline): Uncertain significance (1 of 4 stars; one submission).

Conditions:
Combined oxidative phosphorylation deficiency. Identifiers: MedGen C4540031, MONDO:0000732.
Charcot-Marie-Tooth Neuropathy X. Identifiers: MedGen CN118851.

Submission:

Labcorp Genetics (formerly Invitae), Labcorp
Classification: Uncertain significance for Charcot-Marie-Tooth Neuropathy X; Combined oxidative phosphorylation deficiency. Last evaluated: 2025-06-27. Review status: criteria provided, single submitter. Criteria: Invitae Variant Classification Sherloc (09022015). Collection method: clinical testing. Allele origin: germline.
Comment: This sequence change replaces methionine, which is neutral and non-polar, with valine, which is neutral and non-polar, at codon 171 of the AIFM1 protein (p.Met171Val). This variant is not present in population databases (gnomAD no frequency). This variant has not been reported in the literature in individuals affected with AIFM1-related conditions. ClinVar contains an entry for this variant (Variation ID: 860644). Invitae Evidence Modeling of protein sequence and biophysical properties (such as structural, functional, and spatial information, amino acid conservation, physicochemical variation, residue mobility, and thermodynamic stability) indicates that this missense variant is expected to disrupt AIFM1 protein function with a positive predictive value of 80%. This variant disrupts the p.Met171 amino acid residue in AIFM1. Other variant(s) that disrupt this residue have been determined to be pathogenic (PMID: 30031633). This suggests that this residue is clinically significant, and that variants that disrupt this residue are likely to be disease-causing. In summary, the available evidence is currently insufficient to determine the role of this variant in disease. Therefore, it has been classified as a Variant of Uncertain Significance.

Literature cited by the submitters: PubMed 30031633.

NM_004208.4(AIFM1):c.511A>G (p.Met171Val)

Genes: AIFM1 (apoptosis inducing factor mitochondria associated 1; minus strand), RAB33A (RAB33A, member RAS oncogene family; plus strand). Cytogenetic location: Xq26.1.
Variant type: single nucleotide variant.
Coding change: c.511A>G on transcript NM_004208.4 (MANE Select); coding-DNA position 511, A replaced by G.
Protein change: p.Met171Val; replaces methionine 171 with valine.
Molecular consequence: missense variant. On other transcripts: non-coding transcript variant (1).
Genome position (GRCh38, 1-based): chrX:130,147,587, T>C on the plus strand (A>G on the coding strand, the complement: AIFM1 is on the minus strand). VCF-style: chrX-130147587-T-C. GRCh37 (hg19) VCF-style: chrX-129281562-T-C.
Other names: c.511A>G, p.Met171Val (NM_001130847.4); c.499A>G, p.Met167Val (NM_145812.3); short protein forms M171V, M167V.
Identifiers: ClinVar variation 860644 (VCV000860644.9), dbSNP rs2030801273, ClinGen allele CA414588378.